The following is an entry in ClinVar:

ClinVar aggregate classification (germline): Uncertain significance (1 of 4 stars; one submission).

Conditions:
Dihydropteridine reductase deficiency (HPABH4C). Also called: BH4-Deficient Hyperphenylalaninemia C; HYPERPHENYLALANINEMIA, TETRAHYDROBIOPTERIN-DEFICIENT, DUE TO DHPR DEFICIENCY; QDPR DEFICIENCY; QUINOID DIHYDROPTERIDINE REDUCTASE DEFICIENCY; Phenylketonuria II; Hyperphenylalaninemia due to dihydropteridine reductase deficiency. Identifiers: Orphanet 226, Orphanet 238583, MedGen C0268465, MONDO:0009862, OMIM 261630.

Allele frequency attached by ClinVar (database versions not stated): gnomAD exomes below 0.00001; TOPMed below 0.00001.

Submission:

Labcorp Genetics (formerly Invitae), Labcorp
Classification: Uncertain significance for Dihydropteridine reductase deficiency. Last evaluated: 2022-01-11. Review status: criteria provided, single submitter. Criteria: Invitae Variant Classification Sherloc (09022015). Collection method: clinical testing. Allele origin: germline.
Comment: This sequence change replaces serine, which is neutral and polar, with glycine, which is neutral and non-polar, at codon 111 of the QDPR protein (p.Ser111Gly). This variant is present in population databases (no rsID available, gnomAD 0.0009%). This variant has not been reported in the literature in individuals affected with QDPR-related conditions. Algorithms developed to predict the effect of missense changes on protein structure and function are either unavailable or do not agree on the potential impact of this missense change (SIFT: "Deleterious"; PolyPhen-2: "Probably Damaging"; Align-GVGD: "Class C0"). In summary, the available evidence is currently insufficient to determine the role of this variant in disease. Therefore, it has been classified as a Variant of Uncertain Significance.

NM_000320.3(QDPR):c.331A>G (p.Ser111Gly)

Gene: QDPR (quinoid dihydropteridine reductase; minus strand). Cytogenetic location: 4p15.32.
Variant type: single nucleotide variant.
Coding change: c.331A>G on transcript NM_000320.3 (MANE Select); coding-DNA position 331, A replaced by G.
Protein change: p.Ser111Gly; replaces serine 111 with glycine.
Molecular consequence: missense variant. On other transcripts: non-coding transcript variant (1).
Genome position (GRCh38, 1-based): chr4:17,501,824, T>C on the plus strand (A>G on the coding strand, the complement: QDPR is on the minus strand). VCF-style: chr4-17501824-T-C. GRCh37 (hg19) VCF-style: chr4-17503447-T-C.
Other names: c.238A>G, p.Ser80Gly (NM_001306140.2); short protein forms S80G, S111G.
Identifiers: ClinVar variation 1525122 (VCV001525122.3), dbSNP rs1404740384, ClinGen allele CA356448676.